The following is an entry in ClinVar:

ClinVar aggregate classification (germline): Uncertain significance. Review status: criteria provided, single submitter (1 of 4 stars). 2 submissions from 2 submitters: Uncertain significance (1). 1 of the submissions does not count toward it. Last evaluated 2025-01-27.

Conditions:
GZF1-related disorder. Also called: GZF1-related condition.

Submissions (2):

Labcorp Genetics (formerly Invitae), Labcorp
Classification: Uncertain significance. Last evaluated: 2025-01-27. Review status: criteria provided, single submitter. Criteria: Invitae Variant Classification Sherloc (09022015). Collection method: clinical testing. Allele origin: germline.
Comment: This variant, c.900_920del, results in the deletion of 7 amino acid(s) of the GZF1 protein (p.Glu300_Glu306del), but otherwise preserves the integrity of the reading frame. The frequency data for this variant in the population databases is considered unreliable, as metrics indicate poor data quality at this position in the gnomAD database. This variant has not been reported in the literature in individuals affected with GZF1-related conditions. ClinVar contains an entry for this variant (Variation ID: 1431870). Experimental studies and prediction algorithms are not available or were not evaluated, and the functional significance of this variant is currently unknown. In summary, the available evidence is currently insufficient to determine the role of this variant in disease. Therefore, it has been classified as a Variant of Uncertain Significance.

PreventionGenetics, part of Exact Sciences
Classification: Likely benign for GZF1-related condition. Last evaluated: 2022-06-21. Review status: no assertion criteria provided. Collection method: clinical testing. Allele origin: germline. Not counted in ClinVar's aggregate classification.
Comment: This variant is classified as likely benign based on ACMG/AMP sequence variant interpretation guidelines (Richards et al. 2015 PMID: 25741868, with internal and published modifications).

NM_022482.5(GZF1):c.900_920del (p.Glu300_Glu306del)

Gene: GZF1 (GDNF inducible zinc finger protein 1; plus strand). Cytogenetic location: 20p11.21.
Variant type: Deletion.
Coding change: c.900_920del on transcript NM_022482.5 (MANE Select); coding-DNA positions 900 to 920, 21 bases deleted (AGAGGAGGAGGAGGAGGAGGA).
Protein change: p.Glu300_Glu306del.
Molecular consequence: inframe deletion.
Genome position (GRCh38, 1-based): chr20:23,365,283-23,365,303, AGAGGAGGAGGAGGAGGAGGA deleted; deleting any 21 consecutive bases within chr20:23,365,274-23,365,303 gives the same sequence; the c. name uses the placement nearest the transcript's 3' end. VCF-style (leftmost placement, unchanged base first): chr20-23365273-CGGAGGAGGAAGAGGAGGAGGA-C. GRCh37 (hg19) VCF-style: chr20-23345910-CGGAGGAGGAAGAGGAGGAGGA-C.
Other names: c.900_920del, p.Glu300_Glu306del (NM_001317012.2, NM_001317019.1); c.900_920del21 (NM_022482.4).
Identifiers: ClinVar variation 1431870 (VCV001431870.8), dbSNP rs547594353, ClinGen allele CA9788591.
Genomic context (GRCh38, chr20:23,365,273, plus strand): 5'-CCAAAAATGAGGGTTGCCAGGCAGGTGCTGAGTTGGAGGAATTGTCAAAGAAAGCAGGGC[CGGAGGAGGAAGAGGAGGAGGA>C]GGAGGAGGACGAAGAAGGGGAGAAGAAGAAGAGCAACTTTAAGTGCAGCATTTGCGAGAA-3'